The following is an entry in ClinVar:

ClinVar aggregate classification (germline): Uncertain significance (1 of 4 stars; one submission).

Conditions:
Inborn genetic diseases. Identifiers: MedGen C0950123, MeSH D030342.

gnomAD v4.1: 1 of 1,614,038 alleles (0.000062%); highest among the groups gnomAD compares: Admixed American, 0.0017%; no homozygotes.

Submission:

Ambry Genetics
Classification: Uncertain significance for Inborn genetic diseases. Last evaluated: 2026-03-31. Review status: criteria provided, single submitter. Criteria: Ambry Variant Classification Scheme 2023. Collection method: clinical testing. Allele origin: germline.
Comment: The p.K289Q variant (also known as c.865A>C), located in coding exon 7 of the BUB1B gene, results from an A to C substitution at nucleotide position 865. The lysine at codon 289 is replaced by glutamine, an amino acid with similar properties. This amino acid position is conserved. In addition, this alteration is predicted to be tolerated by in silico analysis. Based on the available evidence, the clinical significance of this variant remains unclear.

NM_001211.6(BUB1B):c.865A>C (p.Lys289Gln)

Gene: BUB1B (BUB1 mitotic checkpoint serine/threonine kinase B; plus strand). Cytogenetic location: 15q15.1.
Variant type: single nucleotide variant.
Coding change: c.865A>C on transcript NM_001211.6 (MANE Select); coding-DNA position 865, A replaced by C.
Protein change: p.Lys289Gln; replaces lysine 289 with glutamine.
Molecular consequence: missense variant.
Genome position (GRCh38, 1-based): chr15:40,185,278, A>C. VCF-style: chr15-40185278-A-C. GRCh37 (hg19) VCF-style: chr15-40477479-A-C.
Other names: short protein forms K289Q.
Identifiers: ClinVar variation 4867988 (VCV004867988.1).